The following is an entry in ClinVar:

NM_001003694.2(BRPF1):c.378C>T (p.Pro126=)

Gene: BRPF1 (bromodomain and PHD finger containing 1; plus strand). Cytogenetic location: 3p25.3.
Variant type: single nucleotide variant.
Coding change: c.378C>T on transcript NM_001003694.2 (MANE Select); coding-DNA position 378, C replaced by T.
Protein change: p.Pro126=; no amino-acid change (proline 126 retained).
Molecular consequence: synonymous variant. On other transcripts: non-coding transcript variant (1).
Genome position (GRCh38, 1-based): chr3:9,734,518, C>T. VCF-style: chr3-9734518-C-T. GRCh37 (hg19) VCF-style: chr3-9776202-C-T.
Other names: c.378C>T, p.Pro126= (NM_001319049.2, NM_001319050.2, NM_004634.3).
Identifiers: ClinVar variation 749860 (VCV000749860.28), dbSNP rs370735679, ClinGen allele CA2241691.

ClinVar aggregate classification (germline): Likely benign. Review status: criteria provided, multiple submitters, no conflicts (2 of 4 stars). 3 submissions from 3 submitters: Likely benign (2). 1 of the submissions does not count toward it. Last evaluated 2022-05-01.

Conditions:
BRPF1-related disorder. Also called: BRPF1-related condition.

Allele frequency attached by ClinVar (database versions not stated): ESP Exome Variant Server 0.00015; gnomAD 0.00021 and 0.00024; TOPMed 0.00023; gnomAD exomes 0.00026; ExAC 0.00028.
gnomAD v4.1: 494 of 1,614,054 alleles (0.031%); highest among the groups gnomAD compares: Non-Finnish European, 0.038%; no homozygotes.

Submissions (3):

CeGaT Center for Human Genetics Tuebingen
Classification: Likely benign. Last evaluated: 2022-05-01. Review status: criteria provided, single submitter. Criteria: CeGaT Center For Human Genetics Tuebingen Variant Classification Criteria Version 2. Collection method: clinical testing. Allele origin: germline. Affected: yes. Observed: 1 variant allele.
Comment: BRPF1: BP4, BP7

Labcorp Genetics (formerly Invitae), Labcorp
Classification: Likely benign. Last evaluated: 2018-06-08. Review status: criteria provided, single submitter. Criteria: Invitae Variant Classification Sherloc (09022015). Collection method: clinical testing. Allele origin: germline.

PreventionGenetics, part of Exact Sciences
Classification: Likely benign for BRPF1-related condition. Last evaluated: 2019-08-12. Review status: no assertion criteria provided. Collection method: clinical testing. Allele origin: germline. Not counted in ClinVar's aggregate classification.
Comment: This variant is classified as likely benign based on ACMG/AMP sequence variant interpretation guidelines (Richards et al. 2015 PMID: 25741868, with internal and published modifications).